The following is an entry in ClinVar:

NM_001368809.2(AMPD2):c.1180G>A (p.Val394Met)

Genes: AMPD2 (adenosine monophosphate deaminase 2; plus strand), LOC126805822 (BRD4-independent group 4 enhancer GRCh37_chr1:110170748-110171947; plus strand). Cytogenetic location: 1p13.3.
Variant type: single nucleotide variant.
Coding change: c.1180G>A on transcript NM_001368809.2 (MANE Select); coding-DNA position 1180, G replaced by A.
Protein change: p.Val394Met; replaces valine 394 with methionine.
Molecular consequence: missense variant.
Genome position (GRCh38, 1-based): chr1:109,628,182, G>A. VCF-style: chr1-109628182-G-A. GRCh37 (hg19) VCF-style: chr1-110170804-G-A.
Other names: c.1342G>A (NM_001257360.1); c.988G>A, p.Val330Met (NM_001257361.2); c.1117G>A, p.Val373Met (NM_001308170.1); c.1180G>A, p.Val394Met (NM_004037.9); c.1099G>A, p.Val367Met (NM_139156.4); short protein forms V330M, V367M, V373M, V394M.
Identifiers: ClinVar variation 424691 (VCV000424691.5), dbSNP rs374249741, ClinGen allele CA993039.

ClinVar aggregate classification (germline): Uncertain significance. Review status: criteria provided, multiple submitters, no conflicts (2 of 4 stars). 4 submissions from 3 submitters: Uncertain significance (4). Last evaluated 2023-04-11.

Conditions:
Pontocerebellar hypoplasia type 9. Identifiers: Orphanet 369920, MedGen C4014354, MONDO:0014351, OMIM 615809.
Hereditary spastic paraplegia. Also called: Familial spastic paraparesis. Identifiers: Orphanet 685, MedGen C0037773, MONDO:0019064. Disease mechanism: loss of function.
Hereditary spastic paraplegia 63. Also called: Spastic paraplegia 63, autosomal recessive. Identifiers: Orphanet 401805, MedGen C3810295, MONDO:0014305, OMIM 615686.

Allele frequency attached by ClinVar (database versions not stated): TOPMed 0.00002; gnomAD exomes 0.00004 and 0.00010; gnomAD 0.00005; ExAC 0.00006; ESP Exome Variant Server 0.00008; 1000 Genomes Project 0.00040; 1000 Genomes Project 30x 0.00047.
gnomAD v4.1: 73 of 1,614,072 alleles (0.0045%); highest among the groups gnomAD compares: Admixed American, 0.025%; no homozygotes.

Submissions (4):

Genome-Nilou Lab
Classification: Uncertain significance for Hereditary spastic paraplegia 63. Last evaluated: 2023-04-11. Review status: criteria provided, single submitter. Criteria: ACMG Guidelines, 2015. Collection method: clinical testing. Allele origin: germline. Affected: no.

Genome-Nilou Lab
Classification: Uncertain significance for Pontocerebellar hypoplasia type 9. Last evaluated: 2023-04-11. Review status: criteria provided, single submitter. Criteria: ACMG Guidelines, 2015. Collection method: clinical testing. Allele origin: germline. Affected: no.

Labcorp Genetics (formerly Invitae), Labcorp
Classification: Uncertain significance for Pontocerebellar hypoplasia type 9; Hereditary spastic paraplegia 63. Last evaluated: 2022-06-16. Review status: criteria provided, single submitter. Criteria: Invitae Variant Classification Sherloc (09022015). Collection method: clinical testing. Allele origin: germline.
Comment: This sequence change replaces valine, which is neutral and non-polar, with methionine, which is neutral and non-polar, at codon 448 of the AMPD2 protein (p.Val448Met). This variant is present in population databases (rs374249741, gnomAD 0.03%). This missense change has been observed in individual(s) with hereditary spastic paraplegia (PMID: 28832565). ClinVar contains an entry for this variant (Variation ID: 424691). Algorithms developed to predict the effect of missense changes on protein structure and function output the following: SIFT: "Tolerated"; PolyPhen-2: "Benign"; Align-GVGD: "Class C0". The methionine amino acid residue is found in multiple mammalian species, which suggests that this missense change does not adversely affect protein function. In summary, the available evidence is currently insufficient to determine the role of this variant in disease. Therefore, it has been classified as a Variant of Uncertain Significance.

Unit for Genetic & Epidemiological Research on Neurological Disorders, Instituto de Investigação e Inovação em Saúde
Classification: Uncertain significance for Hereditary spastic paraplegia. Last evaluated: 2017-03-07. Review status: criteria provided, single submitter. Criteria: Morais et al. (Eur J Hum Genet. 2017). Collection method: research. Allele origin: unknown. Affected: yes.

Literature cited by the submitters: PubMed 28832565 (cited by Labcorp Genetics (formerly Invitae), Labcorp).